The following is an entry in ClinVar:

ClinVar aggregate classification (germline): Uncertain significance (1 of 4 stars; one submission).

gnomAD v4.1: 5 of 1,541,950 alleles (0.00032%); highest among the groups gnomAD compares: South Asian, 0.0039%; no homozygotes.

Submission:

Women's Health and Genetics/Laboratory Corporation of America, LabCorp
Classification: Uncertain significance. Last evaluated: 2024-12-12. Review status: criteria provided, single submitter. Criteria: LabCorp Variant Classification Summary - May 2015. Collection method: clinical testing. Allele origin: germline.
Comment: Variant summary: ZFHX3 c.9473C>T (p.Thr3158Ile) results in a non-conservative amino acid change in the encoded protein sequence. Three of five in-silico tools predict a damaging effect of the variant on protein function. The variant was absent in 184256 control chromosomes. The available data on variant occurrences in the general population are insufficient to allow any conclusion about variant significance. To our knowledge, no occurrence of c.9473C>T in individuals affected with Spinocerebellar Ataxia Type 4 and no experimental evidence demonstrating its impact on protein function have been reported. No submitters have cited clinical-significance assessments for this variant to ClinVar. Based on the evidence outlined above, the variant was classified as uncertain significance.

NM_006885.4(ZFHX3):c.9473C>T (p.Thr3158Ile)

Genes: ZFHX3 (zinc finger homeobox 3; minus strand), ZFHX3-AS1 (ZFHX3 antisense RNA 1; plus strand). Cytogenetic location: 16q22.2.
Variant type: single nucleotide variant.
Coding change: c.9473C>T on transcript NM_006885.4 (MANE Select); coding-DNA position 9473, C replaced by T.
Protein change: p.Thr3158Ile; replaces threonine 3158 with isoleucine.
Molecular consequence: missense variant.
Genome position (GRCh38, 1-based): chr16:72,788,803, G>A on the plus strand (C>T on the coding strand, the complement: ZFHX3 is on the minus strand). VCF-style: chr16-72788803-G-A. GRCh37 (hg19) VCF-style: chr16-72822702-G-A.
Other names: c.6731C>T, p.Thr2244Ile (NM_001164766.2); c.9473C>T, p.Thr3158Ile (NM_001386735.1); short protein forms T2244I, T3158I.
Identifiers: ClinVar variation 3768083 (VCV003768083.1).